The following is an entry in ClinVar:

NM_001127222.2(CACNA1A):c.3523C>T (p.Pro1175Ser)

Gene: CACNA1A (calcium voltage-gated channel subunit alpha1 A; minus strand). Cytogenetic location: 19p13.13.
Variant type: single nucleotide variant.
Coding change: c.3523C>T on transcript NM_001127222.2 (MANE Select); coding-DNA position 3523, C replaced by T.
Protein change: p.Pro1175Ser; replaces proline 1175 with serine.
Molecular consequence: missense variant.
Genome position (GRCh38, 1-based): chr19:13,286,533, G>A on the plus strand (C>T on the coding strand, the complement: CACNA1A is on the minus strand). VCF-style: chr19-13286533-G-A. GRCh37 (hg19) VCF-style: chr19-13397347-G-A.
Other names: c.3535C>T, p.Pro1179Ser (NM_000068.4, NM_023035.3); c.3526C>T, p.Pro1176Ser (NM_001127221.2, NM_001174080.2); short protein forms P1175S, P1176S, P1179S.
Identifiers: ClinVar variation 2446676 (VCV002446676.1), dbSNP rs2512855961, ClinGen allele CA404341195.
Genomic context (GRCh38, chr19:13,286,533, plus strand): 5'-GCCCAGTGATGTGAGAGCAGAGGGTCTCACCTTGTACGACGGTGTGGTTGAGGGGGGGTG[G>A]GCAGGCTGGGGGGATGTCCACTGTGGTGTGGTCGGGTTTCCTGGCAGTCTTAGCTGAATT-3'
Protein context (NP_001120694.1, residues 1165-1185): HTTVDIPPAC[Pro1175Ser]PPLNHTVVQV

ClinVar aggregate classification (germline): Uncertain significance (1 of 4 stars; one submission).

Submission:

GeneDx
Classification: Uncertain significance. Last evaluated: 2022-09-30. Review status: criteria provided, single submitter. Criteria: GeneDx Variant Classification Process June 2021. Collection method: clinical testing. Allele origin: germline. Affected: yes.
Comment: Not observed at significant frequency in large population cohorts (gnomAD); In silico analysis supports that this missense variant does not alter protein structure/function; Has not been previously published as pathogenic or benign to our knowledge